The following is an entry in ClinVar:

ClinVar aggregate classification (germline): Uncertain significance (1 of 4 stars; one submission).

Conditions:
Kabuki syndrome 2 (KABUK2). Also called: KDM6A-Related Kabuki Syndrome. Identifiers: Orphanet 2322, MedGen C3275495, MONDO:0010465, OMIM 300867.

gnomAD v4.1: 1 of 1,207,250 alleles (0.000083%); highest among the groups gnomAD compares: Admixed American, 0.0022%; no homozygotes.

Submission:

Labcorp Genetics (formerly Invitae), Labcorp
Classification: Uncertain significance for Kabuki syndrome 2. Last evaluated: 2025-02-02. Review status: criteria provided, single submitter. Criteria: Invitae Variant Classification Sherloc (09022015). Collection method: clinical testing. Allele origin: germline.
Comment: This sequence change replaces leucine, which is neutral and non-polar, with arginine, which is basic and polar, at codon 615 of the KDM6A protein (p.Leu615Arg). This variant is not present in population databases (gnomAD no frequency). This variant has not been reported in the literature in individuals affected with KDM6A-related conditions. Invitae Evidence Modeling of protein sequence and biophysical properties (such as structural, functional, and spatial information, amino acid conservation, physicochemical variation, residue mobility, and thermodynamic stability) indicates that this missense variant is not expected to disrupt KDM6A protein function with a negative predictive value of 80%. In summary, the available evidence is currently insufficient to determine the role of this variant in disease. Therefore, it has been classified as a Variant of Uncertain Significance.

NM_001291415.2(KDM6A):c.2000T>G (p.Leu667Arg)

Gene: KDM6A (lysine demethylase 6A; plus strand). Cytogenetic location: Xp11.3.
Variant type: single nucleotide variant.
Coding change: c.2000T>G on transcript NM_001291415.2 (MANE Select); coding-DNA position 2000, T replaced by G.
Protein change: p.Leu667Arg; replaces leucine 667 with arginine.
Molecular consequence: missense variant. On other transcripts: non-coding transcript variant (1).
Genome position (GRCh38, 1-based): chrX:45,063,738, T>G. VCF-style: chrX-45063738-T-G. GRCh37 (hg19) VCF-style: chrX-44922983-T-G.
Other names: c.1607T>G, p.Leu536Arg (NM_001291418.2, NM_001419815.1); c.956T>G, p.Leu319Arg (NM_001291421.2); c.1742T>G, p.Leu581Arg (NM_001410742.1, NM_001419814.1); c.2000T>G, p.Leu667Arg (NM_001419809.1); c.1898T>G, p.Leu633Arg (NM_001419810.1, NM_001419813.1); c.1865T>G, p.Leu622Arg (NM_001419811.1, NM_001291416.2); c.1844T>G, p.Leu615Arg (NM_001419812.1, NM_021140.4); c.1709T>G, p.Leu570Arg (NM_001291417.2); short protein forms L319R, L581R, L615R, L633R, L536R, L570R, L622R, L667R.
Identifiers: ClinVar variation 4771922 (VCV004771922.1).